The following is an entry in ClinVar:

ClinVar aggregate classification (germline): Pathogenic (1 of 4 stars; one submission).

Conditions:
Ataxia-telangiectasia syndrome (AT). Also called: Ataxia telangiectasia (A-T); ATAXIA-TELANGIECTASIA, COMPLEMENTATION GROUP A; ATAXIA-TELANGIECTASIA, FRESNO VARIANT; Ataxia-telangiectasia; Ataxia-telangiectasia, complementation group E; LOUIS-BAR SYNDROME. Identifiers: Orphanet 100, MedGen C0004135, MONDO:0008840, OMIM 208900.

Submission:

Labcorp Genetics (formerly Invitae), Labcorp
Classification: Pathogenic for Ataxia-telangiectasia syndrome. Last evaluated: 2022-10-05. Review status: criteria provided, single submitter. Criteria: Invitae Variant Classification Sherloc (09022015). Collection method: clinical testing. Allele origin: germline.
Comment: This sequence change creates a premature translational stop signal (p.Met2805Asnfs*10) in the ATM gene. It is expected to result in an absent or disrupted protein product. Loss-of-function variants in ATM are known to be pathogenic (PMID: 23807571, 25614872). This variant is not present in population databases (gnomAD no frequency). This variant has not been reported in the literature in individuals affected with ATM-related conditions. ClinVar contains an entry for this variant (Variation ID: 1073355). For these reasons, this variant has been classified as Pathogenic.

Literature cited by the submitters: PubMed 23807571; PubMed 25614872.

NM_000051.4(ATM):c.8413dup (p.Met2805fs)

Genes: ATM (ATM serine/threonine kinase; plus strand), C11orf65 (chromosome 11 open reading frame 65; minus strand). Cytogenetic location: 11q22.3.
Variant type: Duplication.
Coding change: c.8413dup on transcript NM_000051.4 (MANE Select); coding-DNA position 8413, one base duplicated (A; older notation c.8413dupA).
Protein change: p.Met2805fs; shifts the reading frame from methionine 2805.
Molecular consequence: frameshift variant. On other transcripts: intron variant (2).
Genome position (GRCh38, 1-based): chr11:108,343,366, A duplicated; the last of 4 consecutive A bases (chr11:108,343,363-108,343,366); duplicating any one gives the same sequence. VCF-style (leftmost placement, unchanged base first): chr11-108343362-G-GA. GRCh37 (hg19) VCF-style: chr11-108214089-G-GA.
Other names: c.8413dup, p.Met2805fs (NM_001351834.2); c.641-34292dup (NM_001330368.2); c.695-8071dup (NM_001351110.2); short protein forms M2805fs.
Identifiers: ClinVar variation 1073355 (VCV001073355.46), dbSNP rs2136953216, ClinGen allele CA2499220728.
Genomic context (GRCh38, chr11:108,343,362, plus strand): 5'-TGAAGATGGTGCTCATAAAAGATACAGGCCAAATGATTTCAGTGCCTTTCAGTGCCAAAA[G>GA]AAAATGATGGTGAGTGACACCCAAAATTAAAGGTTATTGTAAGATTATTTAATGGCTTAT-3'